The following is an entry in ClinVar:

ClinVar aggregate classification (germline): Uncertain significance. Review status: criteria provided, multiple submitters, no conflicts (2 of 4 stars). 2 submissions from 2 submitters: Uncertain significance (2). Last evaluated 2024-07-19.

Conditions:
Gastrointestinal stromal tumor. Also called: Gastrointestinal stromal tumor, somatic; Gastrointestinal stroma tumor. Identifiers: Orphanet 44890, MedGen C0238198, MeSH D046152, MONDO:0011719, OMIM 606764, HP:0100723.
Hereditary cancer-predisposing syndrome. Also called: Tumor predisposition; Neoplastic Syndromes, Hereditary; Hereditary neoplastic syndrome; Hereditary Cancer Syndrome. Identifiers: Orphanet 140162, MedGen C0027672, MeSH D009386, MONDO:0015356.

Allele frequency attached by ClinVar (database versions not stated): gnomAD exomes below 0.00001.
gnomAD v4.1: 3 of 1,613,486 alleles (0.00019%); highest among the groups gnomAD compares: Non-Finnish European, 0.00025%; no homozygotes.

Submissions (2):

Labcorp Genetics (formerly Invitae), Labcorp
Classification: Uncertain significance for Gastrointestinal stromal tumor. Last evaluated: 2024-07-19. Review status: criteria provided, single submitter. Criteria: Invitae Variant Classification Sherloc (09022015). Collection method: clinical testing. Allele origin: germline.
Comment: This sequence change replaces glutamic acid, which is acidic and polar, with glutamine, which is neutral and polar, at codon 925 of the KIT protein (p.Glu925Gln). This variant is not present in population databases (gnomAD no frequency). This variant has not been reported in the literature in individuals affected with KIT-related conditions. ClinVar contains an entry for this variant (Variation ID: 1037272). An algorithm developed to predict the effect of missense changes on protein structure and function (PolyPhen-2) suggests that this variant is likely to be disruptive. In summary, the available evidence is currently insufficient to determine the role of this variant in disease. Therefore, it has been classified as a Variant of Uncertain Significance.

Ambry Genetics
Classification: Uncertain significance for Hereditary cancer-predisposing syndrome. Last evaluated: 2022-04-19. Review status: criteria provided, single submitter. Criteria: Ambry Variant Classification Scheme 2023. Collection method: clinical testing. Allele origin: germline.
Comment: The p.E925Q variant (also known as c.2773G>C), located in coding exon 20 of the KIT gene, results from a G to C substitution at nucleotide position 2773. The glutamic acid at codon 925 is replaced by glutamine, an amino acid with highly similar properties. This amino acid position is conserved. In addition, the in silico prediction for this alteration is inconclusive. Since supporting evidence is limited at this time, the clinical significance of this alteration remains unclear.

NM_000222.3(KIT):c.2773G>C (p.Glu925Gln)

Gene: KIT (KIT proto-oncogene, receptor tyrosine kinase; plus strand). Cytogenetic location: 4q12.
Variant type: single nucleotide variant.
Coding change: c.2773G>C on transcript NM_000222.3 (MANE Select); coding-DNA position 2773, G replaced by C.
Protein change: p.Glu925Gln; replaces glutamic acid 925 with glutamine.
Molecular consequence: missense variant.
Genome position (GRCh38, 1-based): chr4:54,737,251, G>C. VCF-style: chr4-54737251-G-C. GRCh37 (hg19) VCF-style: chr4-55603417-G-C.
Other names: c.2761G>C, p.Glu921Gln (NM_001093772.2, NM_001385292.1); c.2776G>C, p.Glu926Gln (NM_001385284.1); c.2770G>C, p.Glu924Gln (NM_001385285.1); c.2758G>C, p.Glu920Gln (NM_001385286.1); c.2764G>C, p.Glu922Gln (NM_001385288.1); c.2773G>C, p.Glu925Gln (NM_001385290.1); short protein forms E922Q, E925Q, E920Q, E921Q, E924Q, E926Q.
Identifiers: ClinVar variation 1037272 (VCV001037272.20), dbSNP rs1722972689, ClinGen allele CA356914504.